The following is an entry in ClinVar:

NM_152866.3(MS4A1):c.862T>A (p.Ser288Thr)

Gene: MS4A1 (membrane spanning 4-domains A1; plus strand). Cytogenetic location: 11q12.2.
Variant type: single nucleotide variant.
Coding change: c.862T>A on transcript NM_152866.3 (MANE Select); coding-DNA position 862, T replaced by A.
Protein change: p.Ser288Thr; replaces serine 288 with threonine.
Molecular consequence: missense variant.
Genome position (GRCh38, 1-based): chr11:60,468,436, T>A. VCF-style: chr11-60468436-T-A. GRCh37 (hg19) VCF-style: chr11-60235909-T-A.
Other names: c.862T>A, p.Ser288Thr (NM_021950.4, NM_152867.2); short protein forms S288T.
Identifiers: ClinVar variation 1428602 (VCV001428602.6), dbSNP rs1174072766, ClinGen allele CA380601303.
Genomic context (GRCh38, chr11:60,468,436, plus strand): 5'-CAAGAAGAGGAAGAAGAAGAAACAGAGACGAACTTTCCAGAACCTCCCCAAGATCAGGAA[T>A]CCTCACCAATAGAAAATGACAGCTCTCCTTAAGTGATTTCTTCTGTTTTCTGTTTCCTTT-3'
Protein context (NP_690605.1, residues 278-297): NFPEPPQDQE[Ser288Thr]SPIENDSSP

ClinVar aggregate classification (germline): Uncertain significance (1 of 4 stars; one submission).

Allele frequency attached by ClinVar (database versions not stated): gnomAD exomes below 0.00001.
gnomAD v4.1: 4 of 1,614,128 alleles (0.00025%); highest among the groups gnomAD compares: Admixed American, 0.0017%; no homozygotes.

Submission:

Labcorp Genetics (formerly Invitae), Labcorp
Classification: Uncertain significance. Last evaluated: 2022-09-07. Review status: criteria provided, single submitter. Criteria: Invitae Variant Classification Sherloc (09022015). Collection method: clinical testing. Allele origin: germline.
Comment: Algorithms developed to predict the effect of missense changes on protein structure and function are either unavailable or do not agree on the potential impact of this missense change (SIFT: "Deleterious"; PolyPhen-2: "Benign"; Align-GVGD: "Class C0"). ClinVar contains an entry for this variant (Variation ID: 1428602). This variant has not been reported in the literature in individuals affected with MS4A1-related conditions. This variant is present in population databases (no rsID available, gnomAD 0.003%). This sequence change replaces serine, which is neutral and polar, with threonine, which is neutral and polar, at codon 288 of the MS4A1 protein (p.Ser288Thr). In summary, the available evidence is currently insufficient to determine the role of this variant in disease. Therefore, it has been classified as a Variant of Uncertain Significance.